The following is an entry in ClinVar:

ClinVar aggregate classification (germline): Uncertain significance. Review status: criteria provided, multiple submitters, no conflicts (2 of 4 stars). 2 submissions from 2 submitters: Uncertain significance (2). Last evaluated 2025-09-25.

Conditions:
Inborn genetic diseases. Identifiers: MedGen C0950123, MeSH D030342.
Trichorhinophalangeal syndrome, type III (TRPS3). Also called: SUGIO-KAJII SYNDROME. Identifiers: Orphanet 77258, MedGen C1860823, OMIM 190351, MONDO:0008597.
Trichorhinophalangeal dysplasia type I (TRPS1). Also called: TRPS I; TRICHORHINOPHALANGEAL SYNDROME, TYPE I. Identifiers: Orphanet 77258, MedGen C0432233, MONDO:0008596, OMIM 190350.

gnomAD v4.1: 2 of 1,612,912 alleles (0.00012%); highest among the groups gnomAD compares: Admixed American, 0.0033%; no homozygotes.

Submissions (2):

Ambry Genetics
Classification: Uncertain significance for Inborn genetic diseases. Last evaluated: 2025-09-25. Review status: criteria provided, single submitter. Criteria: Ambry Variant Classification Scheme 2023. Collection method: clinical testing. Allele origin: germline.

Labcorp Genetics (formerly Invitae), Labcorp
Classification: Uncertain significance for Trichorhinophalangeal syndrome, type III; Trichorhinophalangeal dysplasia type I. Last evaluated: 2025-06-27. Review status: criteria provided, single submitter. Criteria: Invitae Variant Classification Sherloc (09022015). Collection method: clinical testing. Allele origin: germline.
Comment: This sequence change replaces proline, which is neutral and non-polar, with arginine, which is basic and polar, at codon 1012 of the TRPS1 protein (p.Pro1012Arg). This variant is not present in population databases (gnomAD no frequency). This variant has not been reported in the literature in individuals affected with TRPS1-related conditions. Invitae Evidence Modeling of protein sequence and biophysical properties (such as structural, functional, and spatial information, amino acid conservation, physicochemical variation, residue mobility, and thermodynamic stability) indicates that this missense variant is not expected to disrupt TRPS1 protein function with a negative predictive value of 80%. In summary, the available evidence is currently insufficient to determine the role of this variant in disease. Therefore, it has been classified as a Variant of Uncertain Significance.

NM_014112.5(TRPS1):c.3035C>G (p.Pro1012Arg)

Gene: TRPS1 (transcriptional repressor GATA binding 1; minus strand). Cytogenetic location: 8q23.3.
Variant type: single nucleotide variant.
Coding change: c.3035C>G on transcript NM_014112.5 (MANE Select); coding-DNA position 3035, C replaced by G.
Protein change: p.Pro1012Arg; replaces proline 1012 with arginine.
Molecular consequence: missense variant.
Genome position (GRCh38, 1-based): chr8:115,414,873, G>C on the plus strand (C>G on the coding strand, the complement: TRPS1 is on the minus strand). VCF-style: chr8-115414873-G-C. GRCh37 (hg19) VCF-style: chr8-116427101-G-C.
Other names: c.3008C>G, p.Pro1003Arg (NM_001282902.3); c.3014C>G, p.Pro1005Arg (NM_001282903.3); c.2996C>G, p.Pro999Arg (NM_001330599.2); short protein forms P1003R, P1005R, P1012R, P999R.
Identifiers: ClinVar variation 4633742 (VCV004633742.2).